The following is an entry in ClinVar:

NM_006267.5(RANBP2):c.3387T>G (p.Asp1129Glu)

Gene: RANBP2 (RAN binding protein 2; plus strand). Cytogenetic location: 2q13.
Variant type: single nucleotide variant.
Coding change: c.3387T>G on transcript NM_006267.5 (MANE Select); coding-DNA position 3387, T replaced by G.
Protein change: p.Asp1129Glu; replaces aspartic acid 1129 with glutamic acid.
Molecular consequence: missense variant.
Genome position (GRCh38, 1-based): chr2:108,763,926, T>G. VCF-style: chr2-108763926-T-G. GRCh37 (hg19) VCF-style: chr2-109380382-T-G.
Other names: short protein forms D1129E.
Identifiers: ClinVar variation 645263 (VCV000645263.12), dbSNP rs142454773, ClinGen allele CA1822938.

ClinVar aggregate classification (germline): Uncertain significance. Review status: criteria provided, multiple submitters, no conflicts (2 of 4 stars). 2 submissions from 2 submitters: Uncertain significance (2). Last evaluated 2023-07-07.

Conditions:
Familial acute necrotizing encephalopathy (IIAE3). Also called: Susceptibility to Acute Necrotizing Encephalopathy 1; ENCEPHALOPATHY, ACUTE, INFECTION-INDUCED, SUSCEPTIBILITY TO, 3. Identifiers: Orphanet 88619, MedGen C2675556, MONDO:0011953, OMIM 608033.

Allele frequency attached by ClinVar (database versions not stated): TOPMed 0.00001; ESP Exome Variant Server 0.00008.
gnomAD v4.1: 5 of 1,613,942 alleles (0.00031%); highest among the groups gnomAD compares: Non-Finnish European, 0.00042%; no homozygotes.

Submissions (2):

Labcorp Genetics (formerly Invitae), Labcorp
Classification: Uncertain significance for Familial acute necrotizing encephalopathy. Last evaluated: 2023-07-07. Review status: criteria provided, single submitter. Criteria: Invitae Variant Classification Sherloc (09022015). Collection method: clinical testing. Allele origin: germline.
Comment: In summary, the available evidence is currently insufficient to determine the role of this variant in disease. Therefore, it has been classified as a Variant of Uncertain Significance. Algorithms developed to predict the effect of missense changes on protein structure and function output the following: SIFT: "Not Available"; PolyPhen-2: "Benign"; Align-GVGD: "Not Available". The glutamic acid amino acid residue is found in multiple mammalian species, which suggests that this missense change does not adversely affect protein function. ClinVar contains an entry for this variant (Variation ID: 645263). This variant has not been reported in the literature in individuals affected with RANBP2-related conditions. This variant is present in population databases (rs142454773, gnomAD 0.0009%). This sequence change replaces aspartic acid, which is acidic and polar, with glutamic acid, which is acidic and polar, at codon 1129 of the RANBP2 protein (p.Asp1129Glu).

Women's Health and Genetics/Laboratory Corporation of America, LabCorp
Classification: Uncertain significance. Last evaluated: 2022-12-24. Review status: criteria provided, single submitter. Criteria: LabCorp Variant Classification Summary - May 2015. Collection method: clinical testing. Allele origin: germline.
Comment: Variant summary: RANBP2 c.3387T>G (p.Asp1129Glu) results in a conservative amino acid change in the encoded protein sequence. Five of five in-silico tools predict a benign effect of the variant on protein function. The variant allele was found at a frequency of 8e-06 in 250500 control chromosomes. The available data on variant occurrences in the general population are insufficient to allow any conclusion about variant significance. To our knowledge, no occurrence of c.3387T>G in individuals affected with Familial Acute Necrotizing Encephalopathy and no experimental evidence demonstrating its impact on protein function have been reported. One clinical diagnostic laboratory has submitted clinical-significance assessments for this variant to ClinVar after 2014 without evidence for independent evaluation and classified the variant as uncertain significance. Based on the evidence outlined above, the variant was classified as uncertain significance.